The following is an entry in ClinVar:

NM_000368.5(TSC1):c.272C>A (p.Ser91Ter)

Gene: TSC1 (TSC complex subunit 1; minus strand). Cytogenetic location: 9q34.13.
Variant type: single nucleotide variant.
Coding change: c.272C>A on transcript NM_000368.5 (MANE Select); coding-DNA position 272, C replaced by A.
Protein change: p.Ser91Ter; replaces serine 91 with a stop codon.
Molecular consequence: nonsense. On other transcripts: 5 prime UTR variant (1), intron variant (1).
Genome position (GRCh38, 1-based): chr9:132,925,678, G>T on the plus strand (C>A on the coding strand, the complement: TSC1 is on the minus strand). VCF-style: chr9-132925678-G-T. GRCh37 (hg19) VCF-style: chr9-135801065-G-T.
Other names: c.272C>A, p.Ser91Ter (NM_001162426.2); c.-92C>A (NM_001362177.2); c.210+1523C>A (NM_001162427.2); short protein forms S91*.
Identifiers: ClinVar variation 48997 (VCV000048997.3), dbSNP rs118203361, ClinGen allele CA006946.

ClinVar aggregate classification (germline): Pathogenic. Review status: criteria provided, single submitter (1 of 4 stars). 2 submissions from 2 submitters: Pathogenic (1). 1 of the submissions does not count toward it. Last evaluated 2024-08-08.

Conditions:
Tuberous sclerosis syndrome (TSC). Also called: Tuberous Sclerosis Complex; Tuberous sclerosis. Identifiers: Orphanet 805, MedGen C0041341, MONDO:0001734.

Submissions (2):

Cambridge Genomics Laboratory, East Genomic Laboratory Hub, NHS Genomic Medicine Service
Classification: Pathogenic for Tuberous sclerosis. Last evaluated: 2024-08-08. Review status: criteria provided, single submitter. Criteria: ACGS Best Practice Guidelines for Variant Classification in Rare Disease 2020. Collection method: clinical testing. Allele origin: germline. Affected: yes.
Comment: PVS1,PM2

Tuberous sclerosis database (TSC1)
No classification provided. Condition: TSC. Review status: no classification provided. Criteria: Tuberous Sclerosis Database Assertion Criteria 2015. Collection method: curation. Allele origin: germline. Affected: yes. Not counted in ClinVar's aggregate classification.